The following is an entry in ClinVar:

ClinVar aggregate classification (germline): Uncertain significance. Review status: criteria provided, multiple submitters, no conflicts (2 of 4 stars). 3 submissions from 3 submitters: Uncertain significance (3). Last evaluated 2024-11-30.

Conditions:
Familial thoracic aortic aneurysm and aortic dissection (TAAD). Also called: Thoracic aortic aneurysms and dissections. Identifiers: Orphanet 91387, MedGen C4707243, MONDO:0019625.
Aortic aneurysm, familial thoracic 7 (AAT7). Also called: AORTIC DISSECTION, FAMILIAL, WITH OR WITHOUT AORTIC ANEURYSM. Identifiers: MedGen C3151077, MONDO:0013418, OMIM 613780.

Allele frequency attached by ClinVar (database versions not stated): TOPMed 0.00001; gnomAD 0.00002.
gnomAD v4.1: 18 of 1,614,044 alleles (0.0011%); highest among the groups gnomAD compares: African/African-American, 0.0027%; no homozygotes.

Submissions (3):

Ambry Genetics
Classification: Uncertain significance for Familial thoracic aortic aneurysm and aortic dissection. Last evaluated: 2024-11-30. Review status: criteria provided, single submitter. Criteria: Ambry Variant Classification Scheme 2023. Collection method: clinical testing. Allele origin: germline.
Comment: The p.R1405C variant (also known as c.4213C>T), located in coding exon 21 of the MYLK gene, results from a C to T substitution at nucleotide position 4213. The arginine at codon 1405 is replaced by cysteine, an amino acid with highly dissimilar properties. This amino acid position is conserved. In addition, this alteration is predicted to be deleterious by in silico analysis. Since supporting evidence is limited at this time, the clinical significance of this alteration remains unclear.

GeneDx
Classification: Uncertain significance. Last evaluated: 2024-03-01. Review status: criteria provided, single submitter. Criteria: GeneDx Variant Classification Process June 2021. Collection method: clinical testing. Allele origin: germline. Affected: yes.
Comment: Has not been previously published as pathogenic or benign to our knowledge; Not observed at significant frequency in large population cohorts (gnomAD); In silico analysis supports that this missense variant has a deleterious effect on protein structure/function

Labcorp Genetics (formerly Invitae), Labcorp
Classification: Uncertain significance for Aortic aneurysm, familial thoracic 7. Last evaluated: 2022-10-20. Review status: criteria provided, single submitter. Criteria: Invitae Variant Classification Sherloc (09022015). Collection method: clinical testing. Allele origin: germline.
Comment: This sequence change replaces arginine, which is basic and polar, with cysteine, which is neutral and slightly polar, at codon 1405 of the MYLK protein (p.Arg1405Cys). This variant is present in population databases (rs755248772, gnomAD 0.004%). This missense change has been observed in individual(s) with clinical features of MYLK-related conditions (Invitae). ClinVar contains an entry for this variant (Variation ID: 567514). Advanced modeling of protein sequence and biophysical properties (such as structural, functional, and spatial information, amino acid conservation, physicochemical variation, residue mobility, and thermodynamic stability) performed at Invitae indicates that this missense variant is not expected to disrupt MYLK protein function. In summary, the available evidence is currently insufficient to determine the role of this variant in disease. Therefore, it has been classified as a Variant of Uncertain Significance.

NM_053025.4(MYLK):c.4213C>T (p.Arg1405Cys)

Gene: MYLK (myosin light chain kinase; minus strand). Cytogenetic location: 3q21.1.
Variant type: single nucleotide variant.
Coding change: c.4213C>T on transcript NM_053025.4 (MANE Select); coding-DNA position 4213, C replaced by T.
Protein change: p.Arg1405Cys; replaces arginine 1405 with cysteine.
Molecular consequence: missense variant.
Genome position (GRCh38, 1-based): chr3:123,657,201, G>A on the plus strand (C>T on the coding strand, the complement: MYLK is on the minus strand). VCF-style: chr3-123657201-G-A. GRCh37 (hg19) VCF-style: chr3-123376048-G-A.
Other names: c.3685C>T, p.Arg1229Cys (NM_001321309.2); c.4006C>T, p.Arg1336Cys (NM_053026.4, NM_053028.4); c.4213C>T, p.Arg1405Cys (NM_053027.4); short protein forms R1405C, R1336C, R1229C.
Identifiers: ClinVar variation 567514 (VCV000567514.11), dbSNP rs755248772, ClinGen allele CA071088.
Genomic context (GRCh38, chr3:123,657,201, plus strand): 5'-CTACCGTTGTGAGTTCAGACTCCTGGCTTGGCTCACTGGTTCCATACACGTTGATTGCAC[G>A]TACACGGAACTTATATTCGTGGTCAGGCAGCAGGTCCTGGACGTTGAAAGAGGTGCTGCG-3'
Protein context (NP_444253.3, residues 1395-1415): LPDHEYKFRV[Arg1405Cys]AINVYGTSEP